The following is an entry in ClinVar:

NM_001457.4(FLNB):c.7739A>T (p.Asp2580Val)

Gene: FLNB (filamin B; plus strand). Cytogenetic location: 3p14.3.
Variant type: single nucleotide variant.
Coding change: c.7739A>T on transcript NM_001457.4 (MANE Select); coding-DNA position 7739, A replaced by T.
Protein change: p.Asp2580Val; replaces aspartic acid 2580 with valine.
Molecular consequence: missense variant.
Genome position (GRCh38, 1-based): chr3:58,170,692, A>T. VCF-style: chr3-58170692-A-T. GRCh37 (hg19) VCF-style: chr3-58156419-A-T.
Other names: c.7832A>T, p.Asp2611Val (NM_001164317.2); c.7706A>T, p.Asp2569Val (NM_001164318.2); c.7667A>T, p.Asp2556Val (NM_001164319.2); short protein forms D2556V, D2611V, D2569V, D2580V.
Identifiers: ClinVar variation 3635759 (VCV003635759.2).

ClinVar aggregate classification (germline): Uncertain significance (1 of 4 stars; one submission).

Submission:

Labcorp Genetics (formerly Invitae), Labcorp
Classification: Uncertain significance. Last evaluated: 2024-10-23. Review status: criteria provided, single submitter. Criteria: Invitae Variant Classification Sherloc (09022015). Collection method: clinical testing. Allele origin: germline.
Comment: This sequence change replaces aspartic acid, which is acidic and polar, with valine, which is neutral and non-polar, at codon 2580 of the FLNB protein (p.Asp2580Val). This variant is not present in population databases (gnomAD no frequency). This variant has not been reported in the literature in individuals affected with FLNB-related conditions. Invitae Evidence Modeling of protein sequence and biophysical properties (such as structural, functional, and spatial information, amino acid conservation, physicochemical variation, residue mobility, and thermodynamic stability) indicates that this missense variant is not expected to disrupt FLNB protein function with a negative predictive value of 95%. In summary, the available evidence is currently insufficient to determine the role of this variant in disease. Therefore, it has been classified as a Variant of Uncertain Significance.